The following is an entry in ClinVar:

NM_000053.4(ATP7B):c.262A>G (p.Ser88Gly)

Gene: ATP7B (ATPase copper transporting beta; minus strand). Cytogenetic location: 13q14.3.
Variant type: single nucleotide variant.
Coding change: c.262A>G on transcript NM_000053.4 (MANE Select); coding-DNA position 262, A replaced by G.
Protein change: p.Ser88Gly; replaces serine 88 with glycine.
Molecular consequence: missense variant.
Genome position (GRCh38, 1-based): chr13:51,974,958, T>C on the plus strand (A>G on the coding strand, the complement: ATP7B is on the minus strand). VCF-style: chr13-51974958-T-C. GRCh37 (hg19) VCF-style: chr13-52549094-T-C.
Other names: p.Ser88Gly; c.262A>G, p.Ser88Gly (NM_001005918.3, NM_001243182.2, NM_001330578.2 and 30 more transcripts); c.166A>G, p.Ser56Gly (NM_001406517.1, NM_001406518.1, NM_001406530.1 and 4 more transcripts); short protein forms S56G, S88G.
Identifiers: ClinVar variation 2191458 (VCV002191458.3), dbSNP rs755634625, ClinGen allele CA6989595.

ClinVar aggregate classification (germline): Uncertain significance. Review status: criteria provided, multiple submitters, no conflicts (2 of 4 stars). 3 submissions from 3 submitters: Uncertain significance (3). Last evaluated 2023-12-01.

Conditions:
Wilson disease (WND). Also called: Wilson's disease. Identifiers: Orphanet 905, MedGen C0019202, MONDO:0010200, OMIM 277900. Disease mechanism: loss of function.

Allele frequency attached by ClinVar (database versions not stated): gnomAD exomes below 0.00001; TOPMed below 0.00001; ExAC 0.00001.
gnomAD v4.1: 6 of 1,614,242 alleles (0.00037%); highest among the groups gnomAD compares: Non-Finnish European, 0.00051%; no homozygotes.

Submissions (3):

All of Us Research Program, National Institutes of Health
Classification: Uncertain significance for Wilson disease. Last evaluated: 2023-12-01. Review status: criteria provided, single submitter. Criteria: ACMG Guidelines, 2015. Collection method: clinical testing. Allele origin: germline. Inheritance: Autosomal recessive inheritance. Observed: 2 variant alleles, 2 heterozygotes.
Comment: This missense variant replaces serine with glycine at codon 88 of the ATP7B protein. Computational prediction suggests that this variant may not impact protein structure and function (internally defined REVEL score threshold <= 0.5, PMID: 27666373). To our knowledge, functional studies have not been reported for this variant. This variant has not been reported in individuals affected with ATP7B-related disorders in the literature. This variant has been identified in 2/249238 chromosomes in the general population by the Genome Aggregation Database (gnomAD). The available evidence is insufficient to determine the role of this variant in disease conclusively. Therefore, this variant is classified as a Variant of Uncertain Significance.

This study involves interpretation of variants in research participants for the purpose of population health screening. Participant phenotype was not available at the time of variant classification. Additional details can be found in publication PMID: 35346344, PMCID: PMC8962531

Mayo Clinic Laboratories, Mayo Clinic
Classification: Uncertain significance. Last evaluated: 2023-03-29. Review status: criteria provided, single submitter. Criteria: ACMG Guidelines, 2015. Collection method: clinical testing. Allele origin: germline. Observed: 1 variant allele.

Labcorp Genetics (formerly Invitae), Labcorp
Classification: Uncertain significance for Wilson disease. Last evaluated: 2022-06-06. Review status: criteria provided, single submitter. Criteria: Invitae Variant Classification Sherloc (09022015). Collection method: clinical testing. Allele origin: germline.
Comment: This sequence change replaces serine, which is neutral and polar, with glycine, which is neutral and non-polar, at codon 88 of the ATP7B protein (p.Ser88Gly). This variant is present in population databases (rs755634625, gnomAD 0.002%). This variant has not been reported in the literature in individuals affected with ATP7B-related conditions. Advanced modeling of protein sequence and biophysical properties (such as structural, functional, and spatial information, amino acid conservation, physicochemical variation, residue mobility, and thermodynamic stability) performed at Invitae indicates that this missense variant is not expected to disrupt ATP7B protein function. In summary, the available evidence is currently insufficient to determine the role of this variant in disease. Therefore, it has been classified as a Variant of Uncertain Significance.